The following is an entry in ClinVar:

ClinVar aggregate classification (germline): Benign. Review status: criteria provided, multiple submitters, no conflicts (2 of 4 stars). 3 submissions from 2 submitters: Benign (3). Last evaluated 2018-01-13.

Conditions:
Amyotrophic lateral sclerosis type 8 (ALS8). Identifiers: Orphanet 803, MedGen C1837728, MONDO:0012077, OMIM 608627.
Adult-onset proximal spinal muscular atrophy, autosomal dominant. Also called: FINKEL LATE-ADULT TYPE SMA; Spinal muscular atrophy, late-onset, finkel type. Identifiers: Orphanet 209335, MedGen C1854058, MONDO:0008453, OMIM 182980.

Allele frequency attached by ClinVar (database versions not stated): 1000 Genomes Project 30x 0.02498; ExAC 0.02601; 1000 Genomes Project 0.02696; TOPMed 0.05046; gnomAD exomes 0.06189; gnomAD 0.06223 and 0.06497.
gnomAD v4.1: 28,069 of 453,576 alleles (6.2%); highest among the groups gnomAD compares: Non-Finnish European, 8.5%; 1,217 homozygotes.

Submissions (3):

Illumina Laboratory Services, Illumina
Classification: Benign for Amyotrophic lateral sclerosis type 8. Last evaluated: 2018-01-13. Review status: criteria provided, single submitter. Criteria: ICSL Variant Classification Criteria 13 December 2019. Collection method: clinical testing. Allele origin: germline.
Comment: This variant was observed in the ICSL laboratory as part of a predisposition screen in an ostensibly healthy population. It had not been previously curated by ICSL or reported in the Human Gene Mutation Database (HGMD: prior to June 1st, 2018), and was therefore a candidate for classification through an automated scoring system. Utilizing variant allele frequency, disease prevalence and penetrance estimates, and inheritance mode, an automated score was calculated to assess if this variant is too frequent to cause the disease. Based on the score and internal cut-off values, a variant classified as benign is not then subjected to further curation. The score for this variant resulted in a classification of benign for this disease.

Illumina Laboratory Services, Illumina
Classification: Benign for Adult-onset proximal spinal muscular atrophy, autosomal dominant. Last evaluated: 2018-01-13. Review status: criteria provided, single submitter. Criteria: ICSL Variant Classification Criteria 13 December 2019. Collection method: clinical testing. Allele origin: germline.
Comment: the same text as in the submission from Illumina Laboratory Services, Illumina above.

Breakthrough Genomics
Classification: Benign. Review status: criteria provided, single submitter. Criteria: ACMG Guidelines, 2015. Collection method: not provided. Allele origin: germline. Inheritance: Autosomal dominant inheritance. Affected: yes.

NM_004738.5(VAPB):c.*4446G>A

Gene: VAPB (VAMP associated protein B and C; plus strand). Cytogenetic location: 20q13.32.
Variant type: single nucleotide variant.
Coding change: c.*4446G>A on transcript NM_004738.5 (MANE Select); 4446 bases downstream of the stop codon, G replaced by A.
Molecular consequence: 3 prime UTR variant. On other transcripts: non-coding transcript variant (1).
Genome position (GRCh38, 1-based): chr20:58,448,681, G>A. VCF-style: chr20-58448681-G-A. GRCh37 (hg19) VCF-style: chr20-57023737-G-A.
Other names: c.*4516G>A (NM_001195677.2).
Identifiers: ClinVar variation 338994 (VCV000338994.7), dbSNP rs79623348, ClinGen allele CA9924582.